The following is an entry in ClinVar:

NM_000228.3(LAMB3):c.332A>G (p.Asp111Gly)

Gene: LAMB3 (laminin subunit beta 3; minus strand). Cytogenetic location: 1q32.2.
Variant type: single nucleotide variant.
Coding change: c.332A>G on transcript NM_000228.3 (MANE Select); coding-DNA position 332, A replaced by G.
Protein change: p.Asp111Gly; replaces aspartic acid 111 with glycine.
Molecular consequence: missense variant.
Genome position (GRCh38, 1-based): chr1:209,637,948, T>C on the plus strand (A>G on the coding strand, the complement: LAMB3 is on the minus strand). VCF-style: chr1-209637948-T-C. GRCh37 (hg19) VCF-style: chr1-209811293-T-C.
Other names: c.332A>G, p.Asp111Gly (NM_001017402.2, NM_001127641.1); short protein forms D111G.
Identifiers: ClinVar variation 255594 (VCV000255594.15), dbSNP rs55824996, ClinGen allele CA1376027.

ClinVar aggregate classification (germline): Conflicting classifications of pathogenicity. Review status: criteria provided, conflicting classifications (1 of 4 stars). 5 submissions from 5 submitters: Uncertain significance (2); Benign (1); Likely benign (1). 1 of the submissions does not count toward it. Last evaluated 2026-01-28.

Conditions:
Inborn genetic diseases. Identifiers: MedGen C0950123, MeSH D030342.

Allele frequency attached by ClinVar (database versions not stated): gnomAD exomes 0.00019 and 0.00050; ExAC 0.00081; gnomAD 0.00198; 1000 Genomes Project 0.00220; 1000 Genomes Project 30x 0.00234; TOPMed 0.00261; ESP Exome Variant Server 0.00269.
gnomAD v4.1: 624 of 1,613,360 alleles (0.039%); highest among the groups gnomAD compares: African/African-American, 0.76%; 5 homozygotes.

Submissions (5):

Labcorp Genetics (formerly Invitae), Labcorp
Classification: Benign. Last evaluated: 2026-01-28. Review status: criteria provided, single submitter. Criteria: Invitae Variant Classification Sherloc (09022015). Collection method: clinical testing. Allele origin: germline.

Ambry Genetics
Classification: Uncertain significance for Inborn genetic diseases. Last evaluated: 2024-12-17. Review status: criteria provided, single submitter. Criteria: Ambry Variant Classification Scheme 2023. Collection method: clinical testing. Allele origin: germline.

Women's Health and Genetics/Laboratory Corporation of America, LabCorp
Classification: Uncertain significance. Last evaluated: 2022-11-17. Review status: criteria provided, single submitter. Criteria: LabCorp Variant Classification Summary - May 2015. Collection method: clinical testing. Allele origin: germline.

PreventionGenetics, part of Exact Sciences
Classification: Likely benign. Review status: criteria provided, single submitter. Criteria: ACMG Guidelines, 2015. Collection method: clinical testing. Allele origin: germline.

Department of Pathology and Laboratory Medicine, Sinai Health System
Classification: Benign. Review status: no assertion criteria provided. Collection method: clinical testing. Allele origin: unknown. Affected: yes. Study: The Canadian Open Genetics Repository (COGR). Not counted in ClinVar's aggregate classification.
Comment: The LAMB3 p.Asp111Gly variant was not identified in the literature but was identified in dbSNP (ID: rs55824996), ClinVar (classified as likely benign by Prevention Genetics and benign by Invitae), and LOVD 3.0 (variant effect not shared). The variant was identified in control databases in 188 of 281174 chromosomes (2 homozygous) at a frequency of 0.0006686 increasing the likelihood this could be a low frequency benign variant (Genome Aggregation Database March 6, 2019, v2.1.1). The variant was observed in the following populations: African in 181 of 24632 chromosomes (freq: 0.007348), Latino in 6 of 35264 chromosomes (freq: 0.00017) and European (non-Finnish) in 1 of 128524 chromosomes (freq: 0.000008), but was not observed in the Ashkenazi Jewish, East Asian, European (Finnish), Other, or South Asian populations. The p.Asp111 residue is conserved in mammals and computational analyses (PolyPhen-2, SIFT, AlignGVGD, BLOSUM, MutationTaster) provide inconsistent predictions regarding the impact to the protein; this information is not very predictive of pathogenicity. The variant occurs outside of the splicing consensus sequence and in silico or computational prediction software programs (SpliceSiteFinder, MaxEntScan, NNSPLICE, GeneSplicer) do not predict a difference in splicing. In summary, based on the above information this variant meets our laboratory's criteria to be classified as benign.